The following is an entry in ClinVar:

ClinVar aggregate classification (germline): Uncertain significance (1 of 4 stars; one submission).

Conditions:
Ehlers-Danlos syndrome, type 4 (EDSVASC). Also called: Ehlers-Danlos syndrome vascular type; Ehlers Danlos syndrome, ecchymotic type; Ehlers Danlos syndrome, arterial type; Ehlers Danlos syndrome, Sack-Barabas type; Ehlers-Danlos Syndrome Type IV. Identifiers: Orphanet 286, MedGen C0268338, MONDO:0017314, OMIM 130050.

Submission:

Labcorp Genetics (formerly Invitae), Labcorp
Classification: Uncertain significance for Ehlers-Danlos syndrome, type 4. Last evaluated: 2021-10-26. Review status: criteria provided, single submitter. Criteria: Invitae Variant Classification Sherloc (09022015). Collection method: clinical testing. Allele origin: germline.
Comment: This sequence change replaces lysine with arginine at codon 1324 of the COL3A1 protein (p.Lys1324Arg). The lysine residue is highly conserved and there is a small physicochemical difference between lysine and arginine. This variant is not present in population databases (ExAC no frequency). This variant has not been reported in the literature in individuals affected with COL3A1-related conditions. Advanced modeling of protein sequence and biophysical properties (such as structural, functional, and spatial information, amino acid conservation, physicochemical variation, residue mobility, and thermodynamic stability) performed at Invitae indicates that this missense variant is not expected to disrupt COL3A1 protein function. In summary, the available evidence is currently insufficient to determine the role of this variant in disease. Therefore, it has been classified as a Variant of Uncertain Significance.

NM_000090.4(COL3A1):c.3971A>G (p.Lys1324Arg)

Gene: COL3A1 (collagen type III alpha 1 chain; plus strand). Cytogenetic location: 2q32.2.
Variant type: single nucleotide variant.
Coding change: c.3971A>G on transcript NM_000090.4 (MANE Select); coding-DNA position 3971, A replaced by G.
Protein change: p.Lys1324Arg; replaces lysine 1324 with arginine.
Molecular consequence: missense variant.
Genome position (GRCh38, 1-based): chr2:189,010,325, A>G. VCF-style: chr2-189010325-A-G. GRCh37 (hg19) VCF-style: chr2-189875051-A-G.
Other names: short protein forms K1324R.
Identifiers: ClinVar variation 1441107 (VCV001441107.3), dbSNP rs2153504251, ClinGen allele CA349848805.
Genomic context (GRCh38, chr2:189,010,325, plus strand): 5'-GTGCCAATCCTTTGAATGTTCCACGGAAACACTGGTGGACAGATTCTAGTGCTGAGAAGA[A>G]ACACGTTTGGTTTGGAGAGTCCATGGATGGTGGTTTTCAGGTAGGAAAGGATATACCTTT-3'
Protein context (NP_000081.2, residues 1314-1334): HWWTDSSAEK[Lys1324Arg]HVWFGESMDG